The following is an entry in ClinVar:

ClinVar aggregate classification (germline): Uncertain significance (1 of 4 stars; one submission).

Submission:

Laboratory for Molecular Medicine, Mass General Brigham Personalized Medicine
Classification: Uncertain significance. Last evaluated: 2016-03-03. Review status: criteria provided, single submitter. Criteria: LMM Criteria. Collection method: clinical testing. Allele origin: germline. Observed: 1 variant allele.
Comment: The p.Arg465Leu variant in ATP6V1B1 has not been previously reported in individu als with hearing loss or in large population studies. Computational prediction t ools and conservation analysis suggest that the p.Arg465Leu variant may impact t he protein, though this information is not predictive enough to determine pathog enicity. In summary, the clinical significance of the p.Arg465Leu variant is unc ertain.

NM_001692.4(ATP6V1B1):c.1394G>T (p.Arg465Leu)

Gene: ATP6V1B1 (ATPase H+ transporting V1 subunit B1; plus strand). Cytogenetic location: 2p13.3.
Variant type: single nucleotide variant.
Coding change: c.1394G>T on transcript NM_001692.4 (MANE Select); coding-DNA position 1394, G replaced by T.
Protein change: p.Arg465Leu; replaces arginine 465 with leucine.
Molecular consequence: missense variant.
Genome position (GRCh38, 1-based): chr2:70,964,973, G>T. VCF-style: chr2-70964973-G-T. GRCh37 (hg19) VCF-style: chr2-71192103-G-T.
Other names: short protein forms R465L.
Identifiers: ClinVar variation 228446 (VCV000228446.4), dbSNP rs142905621, ClinGen allele CA10577203.
Genomic context (GRCh38, chr2:70,964,973, plus strand): 5'-CCGCCCCACACACATTCCTAACACTCCCTCCCGCTCTGTCCCTAGGCCCCTACGAGAACC[G>T]CTCGGTGTTCGAGTCGCTGGACCTGGGCTGGAAGCTGCTGCGCATCTTCCCCAAGGAGAT-3'
Protein context (NP_001683.2, residues 455-475): NFINQGPYEN[Arg465Leu]SVFESLDLGW